The following is an entry in ClinVar:

ClinVar aggregate classification (germline): Likely benign. Review status: criteria provided, multiple submitters, no conflicts (2 of 4 stars). 3 submissions from 3 submitters: Likely benign (2). 1 of the submissions does not count toward it. Last evaluated 2024-09-14.

Conditions:
Familial thoracic aortic aneurysm and aortic dissection (TAAD). Also called: Thoracic aortic aneurysms and dissections. Identifiers: Orphanet 91387, MedGen C4707243, MONDO:0019625.
Heterotopia, periventricular, X-linked dominant (PVNH1). Also called: PERIVENTRICULAR NODULAR HETEROTOPIA 4; HETEROTOPIA, PERIVENTRICULAR, 1; PERIVENTRICULAR NODULAR HETEROTOPIA 1; X-linked periventricular heterotopia. Identifiers: Orphanet 2149, Orphanet 82004, MedGen C1848213, MONDO:0010233, OMIM 300049.
Oto-palato-digital syndrome, type II (OPD2). Also called: Otopalatodigital Syndrome, Type II; OPD II SYNDROME; Otopalatodigital Syndrome Type 2 (FLNA-OPD2); FACIOPALATOOSSEOUS SYNDROME. Identifiers: Orphanet 669, Orphanet 90652, MedGen C1844696, MONDO:0010571, OMIM 304120.
Melnick-Needles syndrome (MNS). Also called: MELNICK-NEEDLES OSTEODYSPLASTY; OSTEODYSPLASTY OF MELNICK AND NEEDLES; Melnick-Needles Syndrome (FLNA-MNS). Identifiers: Orphanet 2484, MedGen C0025237, MONDO:0010650, OMIM 309350.
Frontometaphyseal dysplasia (FMD1). Identifiers: Orphanet 1826, MedGen C0265293, MONDO:0015942.
FLNA-related disorder.

gnomAD v4.1: 21 of 1,209,675 alleles (0.0017%); highest among the groups gnomAD compares: Middle Eastern, 0.023%; no homozygotes.

Submissions (3):

Labcorp Genetics (formerly Invitae), Labcorp
Classification: Likely benign for Oto-palato-digital syndrome, type II; Heterotopia, periventricular, X-linked dominant; Frontometaphyseal dysplasia; Melnick-Needles syndrome. Last evaluated: 2024-09-14. Review status: criteria provided, single submitter. Criteria: Invitae Variant Classification Sherloc (09022015). Collection method: clinical testing. Allele origin: germline.

Ambry Genetics
Classification: Likely benign for Familial thoracic aortic aneurysm and aortic dissection. Last evaluated: 2022-01-23. Review status: criteria provided, single submitter. Criteria: Ambry Variant Classification Scheme 2023. Collection method: clinical testing. Allele origin: germline.

PreventionGenetics, part of Exact Sciences
Classification: Likely benign for FLNA-related condition. Last evaluated: 2021-04-21. Review status: no assertion criteria provided. Collection method: clinical testing. Allele origin: germline. Not counted in ClinVar's aggregate classification.
Comment: This variant is classified as likely benign based on ACMG/AMP sequence variant interpretation guidelines (Richards et al. 2015 PMID: 25741868, with internal and published modifications).

NM_001110556.2(FLNA):c.2952C>T (p.Asp984=)

Gene: FLNA (filamin A; minus strand). Cytogenetic location: Xq28.
Variant type: single nucleotide variant.
Coding change: c.2952C>T on transcript NM_001110556.2 (MANE Select); coding-DNA position 2952, C replaced by T.
Protein change: p.Asp984=; no amino-acid change (aspartic acid 984 retained).
Molecular consequence: synonymous variant.
Genome position (GRCh38, 1-based): chrX:154,361,563, G>A on the plus strand (C>T on the coding strand, the complement: FLNA is on the minus strand). VCF-style: chrX-154361563-G-A. GRCh37 (hg19) VCF-style: chrX-153589931-G-A.
Other names: c.2952C>T, p.Asp984= (NM_001456.4); c.2952C>T (NM_001110556.1).
Identifiers: ClinVar variation 697122 (VCV000697122.12), dbSNP rs782513930, ClinGen allele CA10560794.
Genomic context (GRCh38, chrX:154,361,563, plus strand): 5'-CACTTTGCCTTGACCACCAGCACCCTTTGATTTGACTGTGAACTCCTGGTCTTTGCCAAC[G>A]TCCACCTCTGTGGAAACGATGAAAGGAAGGAGAGAGACATGACACCCAGCTCAGCCAATC-3'
Protein context (NP_001104026.1, residues 974-994): IKVSGLGEKV[Asp984=]VGKDQEFTVK